The following is an entry in ClinVar:

ClinVar aggregate classification (germline): Benign/Likely benign. Review status: criteria provided, multiple submitters, no conflicts (2 of 4 stars). 4 submissions from 4 submitters: Benign (2); Likely benign (1). 1 of the submissions does not count toward it. Last evaluated 2026-01-12.

Conditions:
LARS2-related disorder. Also called: LARS2-related condition.

Allele frequency attached by ClinVar (database versions not stated): gnomAD 0.00002 and 0.00019; TOPMed 0.00005; gnomAD exomes 0.00052 and 0.00105; 1000 Genomes Project 30x 0.00078; 1000 Genomes Project 0.00080; ExAC 0.00119.
gnomAD v4.1: 801 of 1,602,100 alleles (0.05%); highest among the groups gnomAD compares: South Asian, 0.78%; 12 homozygotes.

Submissions (6):

Labcorp Genetics (formerly Invitae), Labcorp
Classification: Benign. Last evaluated: 2026-01-12. Review status: criteria provided, single submitter. Criteria: Invitae Variant Classification Sherloc (09022015). Collection method: clinical testing. Allele origin: germline.

CeGaT Center for Human Genetics Tuebingen
Classification: Likely benign. Last evaluated: 2025-12-01. Review status: criteria provided, single submitter. Criteria: CeGaT Center For Human Genetics Tuebingen Variant Classification Criteria Version 2. Collection method: clinical testing. Allele origin: germline. Affected: yes. Observed: 3 variant alleles.
Comment: LARS2: BS2

GeneDx
Classification: Benign. Last evaluated: 2021-01-18. Review status: criteria provided, single submitter. Criteria: GeneDx Variant Classification Process June 2021. Collection method: clinical testing. Allele origin: germline. Affected: yes.

PreventionGenetics, part of Exact Sciences
Classification: Benign for LARS2-related condition. Last evaluated: 2019-07-11. Review status: no assertion criteria provided. Collection method: clinical testing. Allele origin: germline. Not counted in ClinVar's aggregate classification.
Comment: This variant is classified as benign based on ACMG/AMP sequence variant interpretation guidelines (Richards et al. 2015 PMID: 25741868, with internal and published modifications).

Dr. Peter K. Rogan Lab, Western University
No classification provided (evidence only). Condition: Melanoma. Review status: no classification provided. Collection method: in vitro. Allele origin: not applicable. Functional consequence: retained intron. Not counted in ClinVar's aggregate classification.

Dr. Peter K. Rogan Lab, Western University
No classification provided (evidence only). Condition: Cervical cancer. Review status: no classification provided. Collection method: in vitro. Allele origin: not applicable. Functional consequence: retained intron. Not counted in ClinVar's aggregate classification.

NM_015340.4(LARS2):c.362A>G (p.Gln121Arg)

Gene: LARS2 (leucyl-tRNA synthetase 2, mitochondrial; plus strand). Cytogenetic location: 3p21.31.
Variant type: single nucleotide variant.
Coding change: c.362A>G on transcript NM_015340.4 (MANE Select); coding-DNA position 362, A replaced by G.
Protein change: p.Gln121Arg; replaces glutamine 121 with arginine.
Molecular consequence: missense variant.
Genome position (GRCh38, 1-based): chr3:45,400,372, A>G. VCF-style: chr3-45400372-A-G. GRCh37 (hg19) VCF-style: chr3-45441864-A-G.
Other names: c.362A>G, p.Gln121Arg (NM_001368263.1); short protein forms Q121R.
Identifiers: ClinVar variation 1288203 (VCV001288203.34), dbSNP rs200681375, ClinGen allele CA2349273.